The following is an entry in ClinVar:

NM_173628.4(DNAH17):c.621G>T (p.Val207=)

Gene: DNAH17 (dynein axonemal heavy chain 17; minus strand). Cytogenetic location: 17q25.3.
Variant type: single nucleotide variant.
Coding change: c.621G>T on transcript NM_173628.4 (MANE Select); coding-DNA position 621, G replaced by T.
Protein change: p.Val207=; no amino-acid change (valine 207 retained).
Molecular consequence: synonymous variant.
Genome position (GRCh38, 1-based): chr17:78,571,701, C>A on the plus strand (G>T on the coding strand, the complement: DNAH17 is on the minus strand). VCF-style: chr17-78571701-C-A. GRCh37 (hg19) VCF-style: chr17-76567783-C-A.
Identifiers: ClinVar variation 3039462 (VCV003039462.2), dbSNP rs61743539, ClinGen allele CA8805563.

ClinVar aggregate classification (germline): Benign (0 of 4 stars; one submission).

Conditions:
DNAH17-related disorder. Also called: DNAH17-related condition.

Allele frequency attached by ClinVar (database versions not stated): ExAC 0.00248; 1000 Genomes Project 30x 0.00765; 1000 Genomes Project 0.00779; ESP Exome Variant Server 0.00938; TOPMed 0.01082.
gnomAD v4.1: 2,720 of 1,613,894 alleles (0.17%); highest among the groups gnomAD compares: African/African-American, 3.1%; 47 homozygotes.

Submission:

PreventionGenetics, part of Exact Sciences
Classification: Benign for DNAH17-related condition. Last evaluated: 2024-07-29. Review status: no assertion criteria provided. Collection method: clinical testing. Allele origin: germline.
Comment: This variant is classified as benign based on ACMG/AMP sequence variant interpretation guidelines (Richards et al. 2015 PMID: 25741868, with internal and published modifications).